The following is an entry in ClinVar:

ClinVar aggregate classification (germline): Pathogenic (1 of 4 stars; one submission).

Allele frequency attached by ClinVar (database versions not stated): gnomAD 0.00001 and 0.00006.

Submission:

GeneDx
Classification: Pathogenic. Last evaluated: 2016-12-19. Review status: criteria provided, single submitter. Criteria: GeneDx Variant Classification (06012015). Collection method: clinical testing. Allele origin: germline. Affected: yes.
Comment: Although the c.916delG pathogenic variant in the ACVRL1 gene has not been reported to our knowledge, this variant causes a shift in reading frame starting at codon Alanine 306, changing it to an Arginine, and creating a premature stop codon at position 48 of the new reading frame, denoted p.A306RfsX48. This pathogenic variant is expected to result in either an abnormal, truncated protein product or loss of protein from this allele through nonsense-mediated mRNA decay. Many other frameshift variants in the ACVRL1 gene have been reported in HGMD in association with HHT (Stenson et al., 2014). Furthermore, the c.916delG variant was not observed in either the Exome Aggregation Consortium or approximately 6,500 individuals of European and African American ancestry in the NHLBI Exome Sequencing Project, indicating it is not a common benign variant in these populations. In summary, c.916delC in the ACVRL1 gene is interpreted as a pathogenic variant.

NM_000020.3(ACVRL1):c.916del (p.Ala306fs)

Gene: ACVRL1 (activin A receptor like type 1; plus strand). Cytogenetic location: 12q13.13.
Variant type: Deletion.
Coding change: c.916del on transcript NM_000020.3 (MANE Select); coding-DNA position 916, one base deleted (G; older notation c.916delG).
Protein change: p.Ala306fs; shifts the reading frame from alanine 306.
Molecular consequence: frameshift variant.
Genome position (GRCh38, 1-based): chr12:51,915,368, G deleted. VCF-style (leftmost placement, unchanged base first): chr12-51915367-CG-C. GRCh37 (hg19) VCF-style: chr12-52309151-CG-C.
Other names: c.916delG (NM_000020.2); c.916del, p.Ala306fs (NM_001077401.2); short protein forms A306fs.
Identifiers: ClinVar variation 422888 (VCV000422888.2), dbSNP rs1064796070, ClinGen allele CA16619569.
Genomic context (GRCh38, chr12:51,915,367, plus strand): 5'-CTACGACTTTCTGCAGAGACAGACGCTGGAGCCCCATCTGGCTCTGAGGCTAGCTGTGTC[CG>C]CGGCATGCGGCCTGGCGCACCTGCACGTGGAGATCTTCGGTACACAGGGCAAACCAGCCA-3'